The following is an entry in ClinVar:

ClinVar aggregate classification (germline): Uncertain significance (1 of 4 stars; one submission).

Conditions:
Sitosterolemia (STSL). Also called: PHYTOSTEROLEMIA. Identifiers: Orphanet 2882, MedGen C0342907, MONDO:0008863.

gnomAD v4.1: 1 of 1,613,912 alleles (0.000062%); highest among the groups gnomAD compares: Non-Finnish European, 0.000085%; no homozygotes.

Submission:

Labcorp Genetics (formerly Invitae), Labcorp
Classification: Uncertain significance for Sitosterolemia. Last evaluated: 2022-05-28. Review status: criteria provided, single submitter. Criteria: Invitae Variant Classification Sherloc (09022015). Collection method: clinical testing. Allele origin: germline.
Comment: This variant has not been reported in the literature in individuals affected with ABCG5-related conditions. This variant is present in population databases (rs142019608, gnomAD 0.0009%). This sequence change replaces serine, which is neutral and polar, with phenylalanine, which is neutral and non-polar, at codon 254 of the ABCG5 protein (p.Ser254Phe). In summary, the available evidence is currently insufficient to determine the role of this variant in disease. Therefore, it has been classified as a Variant of Uncertain Significance. Algorithms developed to predict the effect of missense changes on protein structure and function (SIFT, PolyPhen-2, Align-GVGD) all suggest that this variant is likely to be disruptive.

NM_022436.3(ABCG5):c.761C>T (p.Ser254Phe)

Genes: ABCG5 (ATP binding cassette subfamily G member 5; minus strand), DYNC2LI1 (dynein cytoplasmic 2 light intermediate chain 1; plus strand). Cytogenetic location: 2p21.
Variant type: single nucleotide variant.
Coding change: c.761C>T on transcript NM_022436.3 (MANE Select); coding-DNA position 761, C replaced by T.
Protein change: p.Ser254Phe; replaces serine 254 with phenylalanine.
Molecular consequence: missense variant. On other transcripts: intron variant (2).
Genome position (GRCh38, 1-based): chr2:43,826,395, G>A on the plus strand (C>T on the coding strand, the complement: ABCG5 is on the minus strand). VCF-style: chr2-43826395-G-A. GRCh37 (hg19) VCF-style: chr2-44053534-G-A.
Other names: c.*16-991G>A (NM_001348913.2, NM_001348912.2); short protein forms S254F.
Identifiers: ClinVar variation 2000073 (VCV002000073.4), dbSNP rs142019608, ClinGen allele CA1636537.